The following is an entry in ClinVar:

ClinVar aggregate classification (germline): Uncertain significance (1 of 4 stars; one submission).

Conditions:
TTN-related disorder. Also called: TTN-related disorders; TTN-related condition; TTN-related disease.

gnomAD v4.1: 8 of 1,608,944 alleles (0.0005%); highest among the groups gnomAD compares: Non-Finnish European, 0.00068%; no homozygotes.

Submission:

PreventionGenetics, part of Exact Sciences
Classification: Uncertain significance for TTN-related condition. Last evaluated: 2025-06-20. Review status: criteria provided, single submitter. Criteria: ACMG Guidelines, 2015. Collection method: clinical testing. Allele origin: germline.
Comment: The TTN c.57655T>C variant is predicted to result in the amino acid substitution p.Tyr19219His. To our knowledge, this variant has not been reported in the literature. This variant is reported in 0.0024% of alleles in individuals of European (Non-Finnish) descent in gnomAD. At this time, the clinical significance of this variant is uncertain due to the absence of conclusive functional and genetic evidence.

NM_001267550.2(TTN):c.57655T>C (p.Tyr19219His)

Genes: TTN (titin; minus strand), TTN-AS1 (TTN antisense RNA 1; plus strand). Cytogenetic location: 2q31.2.
Variant type: single nucleotide variant.
Coding change: c.57655T>C on transcript NM_001267550.2 (MANE Select); coding-DNA position 57655, T replaced by C.
Protein change: p.Tyr19219His; replaces tyrosine 19219 with histidine.
Molecular consequence: missense variant.
Genome position (GRCh38, 1-based): chr2:178,595,699, A>G on the plus strand (T>C on the coding strand, the complement: TTN is on the minus strand). VCF-style: chr2-178595699-A-G. GRCh37 (hg19) VCF-style: chr2-179460426-A-G.
Other names: c.52732T>C, p.Tyr17578His (NM_001256850.1); c.30460T>C, p.Tyr10154His (NM_003319.4); c.49951T>C, p.Tyr16651His (NM_133378.4); c.30835T>C, p.Tyr10279His (NM_133432.3); c.31036T>C, p.Tyr10346His (NM_133437.4); short protein forms Y10154H, Y10279H, Y17578H, Y19219H, Y10346H, Y16651H.
Identifiers: ClinVar variation 4989566 (VCV004989566.1).